The following is an entry in ClinVar:

ClinVar aggregate classification (germline): Uncertain significance (1 of 4 stars; one submission).

gnomAD v4.1: 4 of 1,613,992 alleles (0.00025%); highest among the groups gnomAD compares: African/African-American, 0.004%; no homozygotes.

Submission:

GeneDx
Classification: Uncertain significance. Last evaluated: 2026-02-10. Review status: criteria provided, single submitter. Criteria: GeneDx Variant Classification Process June 2021. Collection method: clinical testing. Allele origin: germline.
Comment: Not observed at significant frequency in large population cohorts (gnomAD); In silico analysis supports that this missense variant has a deleterious effect on protein structure/function; Has not been previously published as pathogenic or benign to our knowledge

NM_013275.6(ANKRD11):c.4427A>C (p.His1476Pro)

Gene: ANKRD11 (ankyrin repeat domain 11; minus strand). Cytogenetic location: 16q24.3.
Variant type: single nucleotide variant.
Coding change: c.4427A>C on transcript NM_013275.6 (MANE Select); coding-DNA position 4427, A replaced by C.
Protein change: p.His1476Pro; replaces histidine 1476 with proline.
Molecular consequence: missense variant.
Genome position (GRCh38, 1-based): chr16:89,282,115, T>G on the plus strand (A>C on the coding strand, the complement: ANKRD11 is on the minus strand). VCF-style: chr16-89282115-T-G. GRCh37 (hg19) VCF-style: chr16-89348523-T-G.
Other names: c.4427A>C, p.His1476Pro (NM_001256182.2, NM_001256183.2); short protein forms H1476P.
Identifiers: ClinVar variation 4888154 (VCV004888154.1).